The following is an entry in ClinVar:

NM_006218.4(PIK3CA):c.1451T>C (p.Val484Ala)

Gene: PIK3CA (phosphatidylinositol-4,5-bisphosphate 3-kinase catalytic subunit alpha; plus strand). Cytogenetic location: 3q26.32.
Variant type: single nucleotide variant.
Coding change: c.1451T>C on transcript NM_006218.4 (MANE Select); coding-DNA position 1451, T replaced by C.
Protein change: p.Val484Ala; replaces valine 484 with alanine.
Molecular consequence: missense variant.
Genome position (GRCh38, 1-based): chr3:179,210,477, T>C. VCF-style: chr3-179210477-T-C. GRCh37 (hg19) VCF-style: chr3-178928265-T-C.
Other names: short protein forms V484A.
Identifiers: ClinVar variation 1772966 (VCV001772966.2), dbSNP rs2473512168, ClinGen allele CA355262494.

ClinVar aggregate classification (germline): Uncertain significance (1 of 4 stars; one submission).

Conditions:
Inborn genetic diseases. Identifiers: MedGen C0950123, MeSH D030342.

Submission:

Ambry Genetics
Classification: Uncertain significance for Inborn genetic diseases. Last evaluated: 2022-09-20. Review status: criteria provided, single submitter. Criteria: Ambry Variant Classification Scheme 2023. Collection method: clinical testing. Allele origin: germline.
Comment: The p.V484A variant (also known as c.1451T>C), located in coding exon 8 of the PIK3CA gene, results from a T to C substitution at nucleotide position 1451. The valine at codon 484 is replaced by alanine, an amino acid with similar properties. This amino acid position is conserved. In addition, the in silico prediction for this alteration is inconclusive. Since supporting evidence is limited at this time, the clinical significance of this alteration remains unclear.